The following is an entry in ClinVar:

NM_030973.4(MED25):c.600C>T (p.Pro200=)

Gene: MED25 (mediator complex subunit 25; plus strand). Cytogenetic location: 19q13.33.
Variant type: single nucleotide variant.
Coding change: c.600C>T on transcript NM_030973.4 (MANE Select); coding-DNA position 600, C replaced by T.
Protein change: p.Pro200=; no amino-acid change (proline 200 retained).
Molecular consequence: synonymous variant.
Genome position (GRCh38, 1-based): chr19:49,829,860, C>T. VCF-style: chr19-49829860-C-T. GRCh37 (hg19) VCF-style: chr19-50333117-C-T.
Other names: c.600C>T, p.Pro200= (NM_001378355.1).
Identifiers: ClinVar variation 699953 (VCV000699953.10), dbSNP rs753910880, ClinGen allele CA9584926.

ClinVar aggregate classification (germline): Likely benign. Review status: criteria provided, single submitter (1 of 4 stars). 2 submissions from 2 submitters: Likely benign (1). 1 of the submissions does not count toward it. Last evaluated 2025-10-23.

Conditions:
MED25-related disorder. Also called: MED25-related condition.
Charcot-Marie-Tooth disease type 2. Also called: Charcot-Marie-Tooth type 2. Identifiers: Orphanet 64746, MedGen C0270914, MONDO:0018993.

Allele frequency attached by ClinVar (database versions not stated): gnomAD 0.00003; TOPMed 0.00003.
gnomAD v4.1: 46 of 1,612,762 alleles (0.0029%); highest among the groups gnomAD compares: Non-Finnish European, 0.0039%; no homozygotes.

Submissions (2):

Labcorp Genetics (formerly Invitae), Labcorp
Classification: Likely benign for Charcot-Marie-Tooth disease type 2. Last evaluated: 2025-10-23. Review status: criteria provided, single submitter. Criteria: Invitae Variant Classification Sherloc (09022015). Collection method: clinical testing. Allele origin: germline.

PreventionGenetics, part of Exact Sciences
Classification: Likely benign for MED25-related condition. Last evaluated: 2019-02-28. Review status: no assertion criteria provided. Collection method: clinical testing. Allele origin: germline. Not counted in ClinVar's aggregate classification.
Comment: This variant is classified as likely benign based on ACMG/AMP sequence variant interpretation guidelines (Richards et al. 2015 PMID: 25741868, with internal and published modifications).